The following is an entry in ClinVar:

NM_152703.5(SAMD9L):c.308dup (p.Asn103fs)

Gene: SAMD9L (sterile alpha motif domain containing 9 like; minus strand). Cytogenetic location: 7q21.2.
Variant type: Duplication.
Coding change: c.308dup on transcript NM_152703.5 (MANE Select); coding-DNA position 308, one base duplicated (A; older notation c.308dupA).
Protein change: p.Asn103fs; shifts the reading frame from asparagine 103.
Molecular consequence: frameshift variant.
Genome position (GRCh38, 1-based): chr7:93,135,664, T duplicated on the plus strand (A on the coding strand, the reverse complement: SAMD9L is on the minus strand); the first of 5 consecutive T bases (chr7:93,135,664-93,135,668); duplicating any one gives the same sequence. VCF-style (leftmost placement, unchanged base first): chr7-93135663-A-AT. GRCh37 (hg19) VCF-style: chr7-92764976-A-AT.
Other names: c.308dup, p.Asn103fs (NM_001303496.3, NM_001303497.3, NM_001303498.3 and 5 more transcripts); c.308dupA (NM_152703.3, NM_152703.5); c.308dup (NM_152703.3); short protein forms N103fs.
Identifiers: ClinVar variation 1053352 (VCV001053352.20), dbSNP rs758545647, ClinGen allele CA4343891.

ClinVar aggregate classification (germline): Uncertain significance. Review status: criteria provided, multiple submitters, no conflicts (2 of 4 stars). 8 submissions from 8 submitters: Uncertain significance (7). 1 of the submissions does not count toward it. Last evaluated 2026-07-01.

Conditions:
SAMD9L-related disorder. Also called: SAMD9L-related disorders; SAMD9L-related condition.
Ataxia-pancytopenia syndrome (ATXPC). Also called: SAMD9L-Related Syndrome; SAMD9L Ataxia-Pancytopenia Syndrome. Identifiers: Orphanet 2585, MedGen C1327919, MONDO:0008038, OMIM 159550.

Submissions (8):

CeGaT Center for Human Genetics Tuebingen
Classification: Uncertain significance. Last evaluated: 2026-07-01. Review status: criteria provided, single submitter. Criteria: CeGaT Center For Human Genetics Tuebingen Variant Classification Criteria Version 2. Collection method: clinical testing. Allele origin: germline. Affected: yes. Observed: 1 variant allele.

Women's Health and Genetics/Laboratory Corporation of America, LabCorp
Classification: Uncertain significance. Last evaluated: 2026-05-06. Review status: criteria provided, single submitter. Criteria: LabCorp Variant Classification Summary - May 2015. Collection method: clinical testing. Allele origin: germline.
Comment: Variant summary: SAMD9L c.308dupA (p.Asn103LysfsX16) results in a premature termination codon, predicted to cause a truncation of the encoded protein or absence of the protein due to nonsense mediated decay, however current evidence is not sufficient to establish loss of function as a mechanism for disease. The variant allele was found at a frequency of 0.0002 in 250862 control chromosomes. This frequency is not significantly higher than estimated for disease-causing variants in SAMD9L, allowing no conclusion about variant significance. To our knowledge, no occurrence of c.308dupA in individuals affected with SAMD9L-related conditions and no experimental evidence demonstrating its impact on protein function have been reported. ClinVar contains an entry for this variant (Variation ID: 1053352). Based on the evidence outlined above, the variant was classified as uncertain significance.

St. Jude Molecular Pathology, St. Jude Children's Research Hospital
Classification: Uncertain significance for Ataxia-pancytopenia syndrome. Last evaluated: 2026-02-11. Review status: criteria provided, single submitter. Criteria: St. Jude Assertion Criteria 2020. Collection method: clinical testing. Allele origin: germline.
Comment: The SAMD9L c.308dup (p.Asn103LysfsTer16) change causes a frameshift and the creation of a premature stop codon, however the functional significance of this variant is currently unknown. This variant has a maximum subpopulation frequency of 0.041% in gnomAD v2.1.1. To our knowledge, this variant has not been reported in individuals with ataxia-pancytopenia syndrome or monosomy 7. In summary, the evidence currently available is insufficient to determine the clinical significance of this variant. In summary, the evidence currently available is insufficient to determine the clinical significance of this variant. It has therefore been classified as of uncertain significance.

Labcorp Genetics (formerly Invitae), Labcorp
Classification: Uncertain significance. Last evaluated: 2026-01-20. Review status: criteria provided, single submitter. Criteria: Invitae Variant Classification Sherloc (09022015). Collection method: clinical testing. Allele origin: germline.
Comment: This sequence change creates a premature translational stop signal (p.Asn103Lysfs*16) in the SAMD9L gene. While this is not anticipated to result in nonsense mediated decay, it is expected to disrupt the last 1482 amino acid(s) of the SAMD9L protein. This variant is present in population databases (rs758545647, gnomAD 0.04%), and has an allele count higher than expected for a pathogenic variant. This variant has not been reported in the literature in individuals affected with SAMD9L-related conditions. ClinVar contains an entry for this variant (Variation ID: 1053352). Experimental studies and prediction algorithms are not available or were not evaluated, and the functional significance of this variant is currently unknown. In summary, the available evidence is currently insufficient to determine the role of this variant in disease. Therefore, it has been classified as a Variant of Uncertain Significance.

Genetic Services Laboratory, University of Chicago
Classification: Uncertain significance. Last evaluated: 2025-06-24. Review status: criteria provided, single submitter. Criteria: ACMG Guidelines, 2015. Collection method: clinical testing. Allele origin: germline.
Comment: DNA sequence analysis of the SAMD9L gene demonstrated a single base pair duplication in exon 6, c.308dup, which creates a premature stop codon 15 amino acids downstream of the variant, p.Asn103Lysfs*16. This sequence change does not appear to have been previously described in individuals with SAMD9L-related disorders. This sequence change has been described in the gnomAD database at a frequency of 0.04% in the European subpopulation (dbSNP rs758545647). Due to insufficient evidences and the lack of functional studies, the clinical significance of the p.Asn103Lysfs*16 change remains unknown at this time.

ARUP Laboratories, Molecular Genetics and Genomics, ARUP Laboratories
Classification: Uncertain significance. Last evaluated: 2024-10-01. Review status: criteria provided, single submitter. Criteria: ARUP Molecular Germline Variant Investigation Process 2024. Collection method: clinical testing. Allele origin: germline.
Comment: The SAMD9L c.308dup; p.Asn103LysfsTer16 variant (rs758545647, ClinVar Variation ID: 1053352) is reported in the literature in 2 individuals include in a cohort of high grade serous ovarian cancer patients, but without additional evidence of causality (Dicks 2017). This variant is found in the non-Finnish European population with an allele frequency of 0.04% (53/128618 alleles) in the Genome Aggregation Database (v2.1.1). This variant causes a frameshift by duplicating a single nucleotide, so it is predicted to result in a truncated protein or mRNA subject to nonsense-mediated decay. However, it has been noting that the majority of disease associated variants in SAMD9L are missense, and this, and other truncating variants in the N-terminal region are found in the general population (Allenspach 2021). Due to limited information, the clinical significance of this variant is uncertain at this time. References: Allenspach EJ et al. Germline SAMD9L truncation variants trigger global translational repression. J Exp Med. 2021 May 3;218(5):e20201195. PMID: 33724365 Dicks E et al. Germline whole exome sequencing and large-scale replication identifies FANCM as a likely high grade serous ovarian cancer susceptibility gene. Oncotarget. 2017 Mar 3;8(31):50930-50940. PMID: 28881617

GeneDx
Classification: Uncertain significance. Last evaluated: 2024-02-14. Review status: criteria provided, single submitter. Criteria: GeneDx Variant Classification Process June 2021. Collection method: clinical testing. Allele origin: germline. Affected: yes.
Comment: Frameshift variant predicted to result in protein truncation in a gene or region of a gene for which loss of function is not an established mechanism of disease; Has not been previously published as pathogenic or benign to our knowledge; This variant is associated with the following publications: (PMID: 33724365)

PreventionGenetics, part of Exact Sciences
Classification: Uncertain significance for SAMD9L-related condition. Last evaluated: 2024-08-02. Review status: no assertion criteria provided. Collection method: clinical testing. Allele origin: germline. Not counted in ClinVar's aggregate classification.
Comment: The SAMD9L c.308dupA variant is predicted to result in a frameshift and premature protein termination (p.Asn103Lysfs*16). To our knowledge, this variant is not reported in the literature in individuals with SAMD9L-related conditions. This variant is reported in 0.041% of alleles in individuals of European (Non-Finnish) descent in gnomAD. At this time, the clinical significance of this variant is uncertain due to the absence of conclusive functional and genetic evidence.